The following is an entry in ClinVar:

ClinVar aggregate classification (germline): Pathogenic (1 of 4 stars; one submission).

Conditions:
Lynch syndrome 5 (LYNCH5). Also called: Colorectal cancer, hereditary nonpolyposis, type 5; Hereditary non-polyposis colorectal cancer, type 5. Identifiers: Orphanet 144, MedGen C1833477, MONDO:0013710, OMIM 614350. Disease mechanism: loss of function.

Submission:

Myriad Genetics, Inc.
Classification: Pathogenic for Lynch syndrome 5. Last evaluated: 2023-08-15. Review status: criteria provided, single submitter. Criteria: Myriad Autosomal Dominant, Autosomal Recessive and X-Linked Classification Criteria (2023). Collection method: clinical testing. Allele origin: unknown.
Comment: This variant is considered pathogenic. This variant creates a frameshift predicted to result in premature protein truncation.

NM_000179.3(MSH6):c.1658dup (p.Arg554fs)

Gene: MSH6 (mutS homolog 6; plus strand). Cytogenetic location: 2p16.3.
Variant type: Duplication.
Coding change: c.1658dup on transcript NM_000179.3 (MANE Select); coding-DNA position 1658, one base duplicated (C; older notation c.1658dupC).
Protein change: p.Arg554fs; shifts the reading frame from arginine 554.
Molecular consequence: frameshift variant. On other transcripts: non-coding transcript variant (4), intron variant (2).
Genome position (GRCh38, 1-based): chr2:47,799,641, C duplicated. VCF-style (leftmost placement, unchanged base first): chr2-47799640-A-AC. GRCh37 (hg19) VCF-style: chr2-48026779-A-AC.
Other names: c.1268dup, p.Arg424fs (NM_001281492.2); c.752dup, p.Arg252fs (NM_001281493.2, NM_001281494.2, NM_001406811.1 and 6 more transcripts); c.1754dup, p.Arg586fs (NM_001406795.1, NM_001406802.1); c.1658dup, p.Arg554fs (NM_001406796.1, NM_001406798.1, NM_001406800.1 and 3 more transcripts); c.1361dup, p.Arg455fs (NM_001406797.1, NM_001406801.1, NM_001406805.1 and 10 more transcripts); c.1133dup, p.Arg379fs (NM_001406799.1, NM_001406806.1, NM_001406807.1); c.1580dup, p.Arg528fs (NM_001406804.1); c.1664dup, p.Arg556fs (NM_001406813.1); and 3 more; short protein forms R252fs, R379fs, R424fs, R455fs, R498fs, R528fs, R554fs, R556fs.
Identifiers: ClinVar variation 2673598 (VCV002673598.1), dbSNP rs2530622847, ClinGen allele CA2695200613.
Genomic context (GRCh38, chr2:47,799,640, plus strand): 5'-GAGAACTACAGTAAGTATCTTCTTAGCCTCAAAGAAAAAGAGGAAGATTCTTCTGGCCAT[A>AC]CTCGTGCATATGGTGTGTGCTTTGTTGATACTTCACTGGGAAAGTTTTTCATAGGTCAGT-3'